The following is an entry in ClinVar:

ClinVar aggregate classification (germline): Pathogenic (1 of 4 stars; one submission).

Allele frequency attached by ClinVar (database versions not stated): gnomAD exomes 0.00001.
gnomAD v4.1: 1 of 1,551,622 alleles (0.000064%); highest among the groups gnomAD compares: South Asian, 0.0012%; no homozygotes.

Submission:

Labcorp Genetics (formerly Invitae), Labcorp
Classification: Pathogenic. Last evaluated: 2021-09-14. Review status: criteria provided, single submitter. Criteria: Invitae Variant Classification Sherloc (09022015). Collection method: clinical testing. Allele origin: germline.
Comment: For these reasons, this variant has been classified as Pathogenic. This variant has not been reported in the literature in individuals affected with LOXHD1-related conditions. This variant is not present in population databases (ExAC no frequency). This sequence change creates a premature translational stop signal (p.Lys488*) in the LOXHD1 gene. It is expected to result in an absent or disrupted protein product. Loss-of-function variants in LOXHD1 are known to be pathogenic (PMID: 19732867, 21465660, 25792669).

Literature cited by the submitters: PubMed 19732867; PubMed 21465660; PubMed 25792669.

NM_001384474.1(LOXHD1):c.1462A>T (p.Lys488Ter)

Gene: LOXHD1 (lipoxygenase homology PLAT domains 1; minus strand). Cytogenetic location: 18q21.1.
Variant type: single nucleotide variant.
Coding change: c.1462A>T on transcript NM_001384474.1 (MANE Select); coding-DNA position 1462, A replaced by T.
Protein change: p.Lys488Ter; replaces lysine 488 with a stop codon.
Molecular consequence: nonsense.
Genome position (GRCh38, 1-based): chr18:46,592,554, T>A on the plus strand (A>T on the coding strand, the complement: LOXHD1 is on the minus strand). VCF-style: chr18-46592554-T-A. GRCh37 (hg19) VCF-style: chr18-44172517-T-A.
Other names: c.1462A>T, p.Lys488Ter (NM_144612.7); short protein forms K488*.
Identifiers: ClinVar variation 1427452 (VCV001427452.6), dbSNP rs1296722565, ClinGen allele CA402380477.